The following is an entry in ClinVar:

NM_024753.5(TTC21B):c.1396C>T (p.Pro466Ser)

Gene: TTC21B (tetratricopeptide repeat domain 21B; minus strand). Cytogenetic location: 2q24.3.
Variant type: single nucleotide variant.
Coding change: c.1396C>T on transcript NM_024753.5 (MANE Select); coding-DNA position 1396, C replaced by T.
Protein change: p.Pro466Ser; replaces proline 466 with serine.
Molecular consequence: missense variant.
Genome position (GRCh38, 1-based): chr2:165,924,669, G>A on the plus strand (C>T on the coding strand, the complement: TTC21B is on the minus strand). VCF-style: chr2-165924669-G-A. GRCh37 (hg19) VCF-style: chr2-166781179-G-A.
Other names: c.1396C>T (NM_024753.4); short protein forms P466S.
Identifiers: ClinVar variation 1470019 (VCV001470019.10), dbSNP rs956461172, ClinGen allele CA349062478.

ClinVar aggregate classification (germline): Uncertain significance. Review status: criteria provided, multiple submitters, no conflicts (2 of 4 stars). 3 submissions from 3 submitters: Uncertain significance (3). Last evaluated 2026-02-03.

Conditions:
TTC21B-related disorder. Also called: TTC21B-related condition; TTC21B-related disorders.
Nephronophthisis. Also called: Juvenile Nephronophthisis. Identifiers: Orphanet 655, MedGen C0687120, MONDO:0019005, HP:0000090.
Jeune thoracic dystrophy. Also called: Short-rib thoracic dysplasia; Jeune syndrome; Infantile thoracic dystrophy; Thoracic pelvic phalangeal dystrophy; Jeune's syndrome; Chondroectodermal dysplasia-like syndrome. Identifiers: Orphanet 474, MedGen C0265275, MONDO:0018770.

Allele frequency attached by ClinVar (database versions not stated): gnomAD exomes below 0.00001.
gnomAD v4.1: 4 of 1,613,422 alleles (0.00025%); highest among the groups gnomAD compares: South Asian, 0.0044%; no homozygotes.

Submissions (3):

PreventionGenetics, part of Exact Sciences
Classification: Uncertain significance for TTC21B-related condition. Last evaluated: 2026-02-03. Review status: criteria provided, single submitter. Criteria: ACMG Guidelines, 2015. Collection method: clinical testing. Allele origin: germline.
Comment: The TTC21B c.1396C>T variant is predicted to result in the amino acid substitution p.Pro466Ser. To our knowledge, this variant has not been reported in the literature or in a large population database (gnomAD), indicating this variant is rare. An alternate variant at the same amino acid position (c.1397C>A, p.Pro466His) has been reported along with two additional TTC21B variants (phase not determined) in an individual with asphyxiating thoracic dystrophy (Zhang et al. 2018. PubMed ID: 29068549). At this time, the clinical significance of the p.Pro466Ser variant is uncertain due to the absence of conclusive functional and genetic evidence.

Blueprint Genetics
Classification: Uncertain significance. Last evaluated: 2022-07-18. Review status: criteria provided, single submitter. Criteria: ACMG Guidelines, 2015. Collection method: clinical testing. Allele origin: germline.

Labcorp Genetics (formerly Invitae), Labcorp
Classification: Uncertain significance for Jeune thoracic dystrophy; Nephronophthisis. Last evaluated: 2020-12-03. Review status: criteria provided, single submitter. Criteria: Invitae Variant Classification Sherloc (09022015). Collection method: clinical testing. Allele origin: germline.
Comment: This sequence change replaces proline with serine at codon 466 of the TTC21B protein (p.Pro466Ser). The proline residue is moderately conserved and there is a moderate physicochemical difference between proline and serine. In summary, the available evidence is currently insufficient to determine the role of this variant in disease. Therefore, it has been classified as a Variant of Uncertain Significance. Algorithms developed to predict the effect of missense changes on protein structure and function (SIFT, PolyPhen-2, Align-GVGD) all suggest that this variant is likely to be tolerated, but these predictions have not been confirmed by published functional studies and their clinical significance is uncertain. This variant has not been reported in the literature in individuals with TTC21B-related conditions. This variant is not present in population databases (ExAC no frequency).